The following is an entry in ClinVar:

ClinVar aggregate classification (germline): Likely benign. Review status: criteria provided, multiple submitters, no conflicts (2 of 4 stars). 2 submissions from 2 submitters: Likely benign (2). Last evaluated 2025-08-21.

Conditions:
RYR1-related disorder. Also called: RYR1-related condition; RYR1-related disorders. Identifiers: MedGen CN239331.

Allele frequency attached by ClinVar (database versions not stated): gnomAD 0.00001; 1000 Genomes Project 30x 0.00016; 1000 Genomes Project 0.00020.
gnomAD v4.1: 21 of 1,610,150 alleles (0.0013%); highest among the groups gnomAD compares: South Asian, 0.014%; no homozygotes.

Submissions (2):

Labcorp Genetics (formerly Invitae), Labcorp
Classification: Likely benign for RYR1-related disorder. Last evaluated: 2025-08-21. Review status: criteria provided, single submitter. Criteria: Invitae Variant Classification Sherloc (09022015). Collection method: clinical testing. Allele origin: germline.

CeGaT Center for Human Genetics Tuebingen
Classification: Likely benign. Last evaluated: 2022-06-01. Review status: criteria provided, single submitter. Criteria: CeGaT Center For Human Genetics Tuebingen Variant Classification Criteria Version 2. Collection method: clinical testing. Allele origin: germline. Affected: yes. Observed: 1 variant allele.
Comment: RYR1: BP4, BP7

NM_000540.3(RYR1):c.7647G>A (p.Ala2549=)

Gene: RYR1 (ryanodine receptor 1; plus strand). Cytogenetic location: 19q13.2.
Variant type: single nucleotide variant.
Coding change: c.7647G>A on transcript NM_000540.3 (MANE Select); coding-DNA position 7647, G replaced by A.
Protein change: p.Ala2549=; no amino-acid change (alanine 2549 retained).
Molecular consequence: synonymous variant.
Genome position (GRCh38, 1-based): chr19:38,502,539, G>A. VCF-style: chr19-38502539-G-A. GRCh37 (hg19) VCF-style: chr19-38993179-G-A.
Other names: c.7647G>A, p.Ala2549= (NM_001042723.2).
Identifiers: ClinVar variation 1080843 (VCV001080843.40), dbSNP rs547811862, ClinGen allele CA069912.